The following is an entry in ClinVar:

NM_001386795.1(DTNA):c.149-15C>G

Gene: DTNA (dystrobrevin alpha; plus strand). Cytogenetic location: 18q12.1.
Variant type: single nucleotide variant.
Coding change: c.149-15C>G on transcript NM_001386795.1 (MANE Select); 15 bases into the intron before coding-DNA position 149, C replaced by G.
Molecular consequence: intron variant.
Genome position (GRCh38, 1-based): chr18:34,794,022, C>G. VCF-style: chr18-34794022-C-G. GRCh37 (hg19) VCF-style: chr18-32373986-C-G.
Other names: c.149-15C>G (NM_032975.4, NM_001386761.1, NM_001386762.1 and 35 more transcripts).
Identifiers: ClinVar variation 510693 (VCV000510693.10), dbSNP rs752608761, ClinGen allele CA8935298.

ClinVar aggregate classification (germline): Likely benign. Review status: criteria provided, multiple submitters, no conflicts (2 of 4 stars). 2 submissions from 2 submitters: Likely benign (2). Last evaluated 2025-12-15.

Conditions:
Left ventricular noncompaction 1 (LVNC1). Also called: LEFT VENTRICULAR NONCOMPACTION 1 WITH OR WITHOUT CONGENITAL HEART DEFECTS. Identifiers: Orphanet 54260, MedGen C1858725, MONDO:0011403, OMIM 604169.

Allele frequency attached by ClinVar (database versions not stated): ExAC 0.00003; gnomAD exomes 0.00003; TOPMed 0.00004.
gnomAD v4.1: 11 of 1,612,582 alleles (0.00068%); highest among the groups gnomAD compares: Admixed American, 0.013%; no homozygotes.

Submissions (2):

Labcorp Genetics (formerly Invitae), Labcorp
Classification: Likely benign for Left ventricular noncompaction 1. Last evaluated: 2025-12-15. Review status: criteria provided, single submitter. Criteria: Invitae Variant Classification Sherloc (09022015). Collection method: clinical testing. Allele origin: germline.

GeneDx
Classification: Likely benign. Last evaluated: 2017-07-11. Review status: criteria provided, single submitter. Criteria: GeneDx Variant Classification (06012015). Collection method: clinical testing. Allele origin: germline. Affected: yes.
Comment: This variant is considered likely benign or benign based on one or more of the following criteria: it is a conservative change, it occurs at a poorly conserved position in the protein, it is predicted to be benign by multiple in silico algorithms, and/or has population frequency not consistent with disease.